The following is an entry in ClinVar:

ClinVar aggregate classification (germline): Uncertain significance. Review status: criteria provided, multiple submitters, no conflicts (2 of 4 stars). 4 submissions from 4 submitters: Uncertain significance (4). Last evaluated 2025-06-30.

Conditions:
Hereditary cancer-predisposing syndrome. Also called: Hereditary neoplastic syndrome; Neoplastic Syndromes, Hereditary; Hereditary Cancer Syndrome; Tumor predisposition. Identifiers: Orphanet 140162, MedGen C0027672, MeSH D009386, MONDO:0015356.
Ataxia-telangiectasia syndrome (AT). Also called: Ataxia telangiectasia (A-T); ATAXIA-TELANGIECTASIA, COMPLEMENTATION GROUP A; ATAXIA-TELANGIECTASIA, FRESNO VARIANT; Ataxia-telangiectasia, complementation group D; AT, COMPLEMENTATION GROUP C; Ataxia-telangiectasia, complementation group E. Identifiers: Orphanet 100, MedGen C0004135, MONDO:0008840, OMIM 208900.

Allele frequency attached by ClinVar (database versions not stated): gnomAD exomes below 0.00001; TOPMed below 0.00001; gnomAD 0.00002.
gnomAD v4.1: 5 of 1,613,324 alleles (0.00031%); highest among the groups gnomAD compares: South Asian, 0.0044%; no homozygotes.

Submissions (4):

Ambry Genetics
Classification: Uncertain significance for Hereditary cancer-predisposing syndrome. Last evaluated: 2025-06-30. Review status: criteria provided, single submitter. Criteria: Ambry Variant Classification Scheme 2023. Collection method: clinical testing. Allele origin: germline.
Comment: The p.D588G variant (also known as c.1763A>G), located in coding exon 10 of the ATM gene, results from an A to G substitution at nucleotide position 1763. The aspartic acid at codon 588 is replaced by glycine, an amino acid with similar properties. This amino acid position is well conserved in available vertebrate species. In addition, this alteration is predicted to be tolerated by in silico analysis. Since supporting evidence is limited at this time, the clinical significance of this alteration remains unclear.

Labcorp Genetics (formerly Invitae), Labcorp
Classification: Uncertain significance for Ataxia-telangiectasia syndrome. Last evaluated: 2024-11-03. Review status: criteria provided, single submitter. Criteria: Invitae Variant Classification Sherloc (09022015). Collection method: clinical testing. Allele origin: germline.
Comment: This sequence change replaces aspartic acid, which is acidic and polar, with glycine, which is neutral and non-polar, at codon 588 of the ATM protein (p.Asp588Gly). This variant is not present in population databases (gnomAD no frequency). This variant has not been reported in the literature in individuals affected with ATM-related conditions. ClinVar contains an entry for this variant (Variation ID: 1171590). Invitae Evidence Modeling of protein sequence and biophysical properties (such as structural, functional, and spatial information, amino acid conservation, physicochemical variation, residue mobility, and thermodynamic stability) indicates that this missense variant is not expected to disrupt ATM protein function with a negative predictive value of 95%. In summary, the available evidence is currently insufficient to determine the role of this variant in disease. Therefore, it has been classified as a Variant of Uncertain Significance.

Color Diagnostics, LLC DBA Color Health
Classification: Uncertain significance for Hereditary cancer-predisposing syndrome. Last evaluated: 2024-03-06. Review status: criteria provided, single submitter. Criteria: ACMG Guidelines, 2015. Collection method: clinical testing. Allele origin: germline.
Comment: This missense variant replaces aspartic acid with glycine at codon 588 of the ATM protein. Computational prediction suggests that this variant may not impact protein structure and function (internally defined REVEL score threshold <= 0.5, PMID: 27666373). To our knowledge, functional studies have not been reported for this variant. This variant has not been reported in individuals affected with hereditary cancer in the literature. This variant has not been identified in the general population by the Genome Aggregation Database (gnomAD). The available evidence is insufficient to determine the role of this variant in disease conclusively. Therefore, this variant is classified as a Variant of Uncertain Significance.

Women's Health and Genetics/Laboratory Corporation of America, LabCorp
Classification: Uncertain significance. Last evaluated: 2024-01-08. Review status: criteria provided, single submitter. Criteria: LabCorp Variant Classification Summary - May 2015. Collection method: clinical testing. Allele origin: germline.

NM_000051.4(ATM):c.1763A>G (p.Asp588Gly)

Gene: ATM (ATM serine/threonine kinase; plus strand). Cytogenetic location: 11q22.3.
Variant type: single nucleotide variant.
Coding change: c.1763A>G on transcript NM_000051.4 (MANE Select); coding-DNA position 1763, A replaced by G.
Protein change: p.Asp588Gly; replaces aspartic acid 588 with glycine.
Molecular consequence: missense variant.
Genome position (GRCh38, 1-based): chr11:108,251,992, A>G. VCF-style: chr11-108251992-A-G. GRCh37 (hg19) VCF-style: chr11-108122719-A-G.
Other names: c.1763A>G, p.Asp588Gly (NM_001351834.2); short protein forms D588G.
Identifiers: ClinVar variation 1171590 (VCV001171590.12), dbSNP rs2080177696, ClinGen allele CA382535421.